The following is an entry in ClinVar:

NM_058216.3(RAD51C):c.964del (p.Arg322fs)

Gene: RAD51C (RAD51 paralog C; plus strand). Cytogenetic location: 17q22.
Variant type: Deletion.
Coding change: c.964del on transcript NM_058216.3 (MANE Select); coding-DNA position 964, one base deleted (A; older notation c.964delA).
Protein change: p.Arg322fs; shifts the reading frame from arginine 322.
Molecular consequence: frameshift variant. On other transcripts: non-coding transcript variant (1).
Genome position (GRCh38, 1-based): chr17:58,724,099, A deleted; the last of 3 consecutive A bases (chr17:58,724,097-58,724,099); deleting any one gives the same sequence. VCF-style (leftmost placement, unchanged base first): chr17-58724096-CA-C. GRCh37 (hg19) VCF-style: chr17-56801457-CA-C.
Other names: c.964del (NM_058216.2); c.964delA (NM_058216.1); short protein forms R322fs.
Identifiers: ClinVar variation 492399 (VCV000492399.17), dbSNP rs1555603056, ClinGen allele CA658684139.
Genomic context (GRCh38, chr17:58,724,096, plus strand): 5'-TCAGGGGAAAGTTGGGGACATGCTGCTACAATACGGCTAATCTTTCATTGGGACCGAAAG[CA>C]AAGGTCAGTACAGAAACAAGTTAATAACTCCGAATATTGGGTTAATTATACTGAATGAAC-3'

ClinVar aggregate classification (germline): Likely pathogenic. Review status: criteria provided, multiple submitters, no conflicts (2 of 4 stars). 5 submissions from 5 submitters: Likely pathogenic (5). Last evaluated 2026-05-12.

Conditions:
Hereditary cancer-predisposing syndrome. Also called: Tumor predisposition; Hereditary Cancer Syndrome; Neoplastic Syndromes, Hereditary; Hereditary neoplastic syndrome. Identifiers: Orphanet 140162, MedGen C0027672, MeSH D009386, MONDO:0015356.
RAD51C-related disorder. Also called: RAD51C-related disorders; RAD51C-related condition.
Breast-ovarian cancer, familial, susceptibility to, 3. Also called: RAD51C-Related Breast/Ovarian Cancer. Identifiers: Orphanet 145, MedGen C3150659, MONDO:0013253, OMIM 613399.
Fanconi anemia complementation group O. Also called: RAD51C-Related Fanconi Anemia. Identifiers: Orphanet 84, MedGen C3150653, MONDO:0013248, OMIM 613390.

Submissions (5):

Ambry Genetics
Classification: Likely pathogenic for Hereditary cancer-predisposing syndrome. Last evaluated: 2026-05-12. Review status: criteria provided, single submitter. Criteria: Ambry Variant Classification Scheme 2023. Collection method: clinical testing. Allele origin: germline.
Comment: The c.964delA variant, located in coding exon 7 of the RAD51C gene, results from a deletion of one nucleotide at nucleotide position 964, causing a translational frameshift with a predicted alternate stop codon (p.R322Gfs*42). This variant occurs at the 3' terminus of the gene, is not expected to trigger nonsense-mediated mRNA decay, and impacts the last 15% of the protein. However, premature stop codons are typically deleterious in nature and a significant portion of the protein is affected and the impacted region is critical for protein function (Ambry internal data). This variant is considered to be rare based on population cohorts in the Genome Aggregation Database (gnomAD). Based on the majority of available evidence to date, this variant is likely to be pathogenic.

Labcorp Genetics (formerly Invitae), Labcorp
Classification: Likely pathogenic for Fanconi anemia complementation group O. Last evaluated: 2024-12-23. Review status: criteria provided, single submitter. Criteria: Invitae Variant Classification Sherloc (09022015). Collection method: clinical testing. Allele origin: germline.
Comment: This sequence change creates a premature translational stop signal (p.Arg322Glyfs*42) in the RAD51C gene. While this is not anticipated to result in nonsense mediated decay, it is expected to disrupt the last 55 amino acid(s) of the RAD51C protein. This variant is not present in population databases (gnomAD no frequency). This variant has not been reported in the literature in individuals affected with RAD51C-related conditions. ClinVar contains an entry for this variant (Variation ID: 492399). This variant disrupts the nuclear localization signal (NLS) of the RAD51C protein, which is important for proper localization and function of the RAD51C protein (PMID:12966089). While functional studies have not been performed to directly test the effect of this variant on RAD51C protein function, this suggests that disruption of this region of the protein is causative of disease. In summary, the currently available evidence indicates that the variant is pathogenic, but additional data are needed to prove that conclusively. Therefore, this variant has been classified as Likely Pathogenic.

Blueprint Genetics
Classification: Likely pathogenic for RAD51C-related disorders. Last evaluated: 2024-03-21. Review status: criteria provided, single submitter. Criteria: ACMG Guidelines, 2015. Collection method: clinical testing. Allele origin: germline. Affected: yes. Observed: 1 variant allele.

Myriad Genetics, Inc.
Classification: Likely pathogenic for Breast-ovarian cancer, familial, susceptibility to, 3. Last evaluated: 2023-12-06. Review status: criteria provided, single submitter. Criteria: Myriad Autosomal Dominant, Autosomal Recessive and X-Linked Classification Criteria (2023). Collection method: clinical testing. Allele origin: unknown.
Comment: This variant is considered likely pathogenic. This variant creates a frameshift predicted to result in premature protein truncation.

Color Diagnostics, LLC DBA Color Health
Classification: Likely pathogenic for Hereditary cancer-predisposing syndrome. Last evaluated: 2021-09-01. Review status: criteria provided, single submitter. Criteria: ACMG Guidelines, 2015. Collection method: clinical testing. Allele origin: germline.
Comment: This variant deletes 1 nucleotide in exon 7 of the RAD51C gene, creating a frameshift and premature translation stop signal in the last coding exon. While this mutant transcript is predicted to escape nonsense-mediated decay and be expressed as a truncated protein, it is expected to have disrupted or deleted ATPase domain (amino acid 100-347) (PMID: 1731253), RAD51 paralog binding domain (amino acid 79-376) (PMID: 14704354), and nuclear localization signal (amino acid 366-370) (PMID: 12966089). While functional studies have not been reported for this variant, cells carrying a mutant RAD51C protein without the nuclear localization signal showed increased sensitivity to a DNA cross-linking agent (PMID: 12966089). To our knowledge, this variant has not been reported in individuals affected with hereditary cancer in the literature. This variant has not been identified in the general population by the Genome Aggregation Database (gnomAD). Loss of RAD51C function is a known mechanism of disease. Based on the available evidence, this variant is classified as Likely Pathogenic.

Literature cited by the submitters: PubMed 37344587 (cited by Ambry Genetics); PubMed 12966089 (cited by Labcorp Genetics (formerly Invitae), Labcorp and Color Diagnostics, LLC DBA Color Health); PubMed 1731253 (cited by Color Diagnostics, LLC DBA Color Health); PubMed 14704354 (cited by Color Diagnostics, LLC DBA Color Health).